The following is an entry in ClinVar:

NM_000264.5(PTCH1):c.4313A>G (p.Glu1438Gly)

Gene: PTCH1 (patched 1; minus strand). Cytogenetic location: 9q22.32.
Variant type: single nucleotide variant.
Coding change: c.4313A>G on transcript NM_000264.5 (MANE Select); coding-DNA position 4313, A replaced by G.
Protein change: p.Glu1438Gly; replaces glutamic acid 1438 with glycine.
Molecular consequence: missense variant. On other transcripts: non-coding transcript variant (1).
Genome position (GRCh38, 1-based): chr9:95,446,943, T>C on the plus strand (A>G on the coding strand, the complement: PTCH1 is on the minus strand). VCF-style: chr9-95446943-T-C. GRCh37 (hg19) VCF-style: chr9-98209225-T-C.
Other names: c.4115A>G, p.Glu1372Gly (NM_001083602.3); c.4310A>G, p.Glu1437Gly (NM_001083603.3); c.3860A>G, p.Glu1287Gly (NM_001083604.3, NM_001083605.3, NM_001083606.3 and 1 more transcripts); c.4157A>G, p.Glu1386Gly (NM_001354918.2); c.4313A>G (NM_000264.4); short protein forms E1372G, E1438G, E1287G, E1386G, E1437G.
Identifiers: ClinVar variation 220426 (VCV000220426.18), dbSNP rs150696398, ClinGen allele CA349173.

ClinVar aggregate classification (germline): Conflicting classifications of pathogenicity. Review status: criteria provided, conflicting classifications (1 of 4 stars). 6 submissions from 6 submitters: Uncertain significance (5); Likely benign (1). Last evaluated 2026-01-26.

Conditions:
Hereditary cancer-predisposing syndrome. Also called: Tumor predisposition; Hereditary neoplastic syndrome; Neoplastic Syndromes, Hereditary; Hereditary Cancer Syndrome. Identifiers: Orphanet 140162, MedGen C0027672, MeSH D009386, MONDO:0015356.
Basal cell carcinoma, susceptibility to, 1. Also called: BCC1. Identifiers: MedGen C2751544, MONDO:0011556, OMIM 605462.
Gorlin syndrome. Also called: Nevoid Basal Cell Carcinoma Syndrome; Basal cell nevus syndrome. Identifiers: Orphanet 377, MedGen C0004779, MONDO:0007187.
Holoprosencephaly 7 (HPE7). Identifiers: Orphanet 2162, MedGen C1835820, MONDO:0012562, OMIM 610828.

Allele frequency attached by ClinVar (database versions not stated): gnomAD 0.00002; TOPMed 0.00002; gnomAD exomes 0.00001; ESP Exome Variant Server 0.00008.
gnomAD v4.1: 16 of 1,614,014 alleles (0.00099%); highest among the groups gnomAD compares: Non-Finnish European, 0.0013%; no homozygotes.

Submissions (6):

Labcorp Genetics (formerly Invitae), Labcorp
Classification: Uncertain significance for Gorlin syndrome. Last evaluated: 2026-01-26. Review status: criteria provided, single submitter. Criteria: Invitae Variant Classification Sherloc (09022015). Collection method: clinical testing. Allele origin: germline.
Comment: This sequence change replaces glutamic acid, which is acidic and polar, with glycine, which is neutral and non-polar, at codon 1438 of the PTCH1 protein (p.Glu1438Gly). This variant is present in population databases (rs150696398, gnomAD 0.003%). This variant has not been reported in the literature in individuals affected with PTCH1-related conditions. ClinVar contains an entry for this variant (Variation ID: 220426). Invitae Evidence Modeling of protein sequence and biophysical properties (such as structural, functional, and spatial information, amino acid conservation, physicochemical variation, residue mobility, and thermodynamic stability) indicates that this missense variant is not expected to disrupt PTCH1 protein function with a negative predictive value of 95%. In summary, the available evidence is currently insufficient to determine the role of this variant in disease. Therefore, it has been classified as a Variant of Uncertain Significance.

Quest Diagnostics Nichols Institute San Juan Capistrano
Classification: Uncertain significance. Last evaluated: 2023-01-31. Review status: criteria provided, single submitter. Criteria: Quest Diagnostics criteria. Collection method: clinical testing. Allele origin: unknown.
Comment: To the best of our knowledge, the variant has not been reported in the published literature. The frequency of this variant in the general population, 0.000031 (4/128940 chromosomes), is uninformative in assessment of its pathogenicity. Analysis of this variant using bioinformatics tools for the prediction of the effect of amino acid changes on protein structure and function yielded predictions that this variant is benign. Based on the available information, we are unable to determine the clinical significance of this variant.

Ambry Genetics
Classification: Likely benign for Hereditary cancer-predisposing syndrome. Last evaluated: 2022-08-30. Review status: criteria provided, single submitter. Criteria: Ambry Variant Classification Scheme 2023. Collection method: clinical testing. Allele origin: germline.

GeneDx
Classification: Uncertain significance. Last evaluated: 2022-05-23. Review status: criteria provided, single submitter. Criteria: GeneDx Variant Classification Process June 2021. Collection method: clinical testing. Allele origin: germline. Affected: yes.
Comment: Not observed at significant frequency in large population cohorts (gnomAD); In silico analysis supports that this missense variant does not alter protein structure/function; Has not been previously published as pathogenic or benign to our knowledge

Sema4
Classification: Uncertain significance for Hereditary cancer-predisposing syndrome. Last evaluated: 2022-03-05. Review status: criteria provided, single submitter. Criteria: Sema4 Curation Guidelines. Collection method: curation. Allele origin: germline.
Comment: The PTCH1 c.4313A>G (p.E1438G) variant has not been reported in the individuals with PTCH1-related disease. It was observed in 4/128940 chromosomes in the Non-Finnish European population according to the Genome Aggregation Database (PMID: 32461654). This variant has been reported in ClinVar (Variation ID: 220426). Functional studies have not been performed, and in silico predictions of the variant's effect on protein function are inconclusive. The evidence is insufficient to meet ACMG/AMP criteria for classifying the variant as benign or pathogenic. Thus, the clinical significance of this variant is currently uncertain.

Fulgent Genetics
Classification: Uncertain significance for Basal cell nevus syndrome 1; Basal cell carcinoma, susceptibility to, 1; Holoprosencephaly 7. Last evaluated: 2021-08-04. Review status: criteria provided, single submitter. Criteria: ACMG Guidelines, 2015. Collection method: clinical testing. Allele origin: unknown.